The following is an entry in ClinVar:

NM_001035.3(RYR2):c.5602C>A (p.Leu1868Ile)

Gene: RYR2 (ryanodine receptor 2; plus strand). Cytogenetic location: 1q43.
Variant type: single nucleotide variant.
Coding change: c.5602C>A on transcript NM_001035.3 (MANE Select); coding-DNA position 5602, C replaced by A.
Protein change: p.Leu1868Ile; replaces leucine 1868 with isoleucine.
Molecular consequence: missense variant.
Genome position (GRCh38, 1-based): chr1:237,614,730, C>A. VCF-style: chr1-237614730-C-A. GRCh37 (hg19) VCF-style: chr1-237778030-C-A.
Other names: short protein forms L1868I.
Identifiers: ClinVar variation 921250 (VCV000921250.6), dbSNP rs768636940, ClinGen allele CA086919.

ClinVar aggregate classification (germline): Conflicting classifications of pathogenicity. Review status: criteria provided, conflicting classifications (1 of 4 stars). 2 submissions from 2 submitters: Uncertain significance (1); Likely benign (1). Last evaluated 2025-06-22.

Conditions:
Catecholaminergic polymorphic ventricular tachycardia 1. Also called: VENTRICULAR TACHYCARDIA, CATECHOLAMINERGIC POLYMORPHIC, 1, WITH OR WITHOUT ATRIAL DYSFUNCTION AND/OR DILATED CARDIOMYOPATHY; RYR2-Related Catecholaminergic Polymorphic Ventricular Tachycardia; VENTRICULAR TACHYCARDIA, STRESS-INDUCED POLYMORPHIC 1. Identifiers: Orphanet 3286, MedGen C1631597, MONDO:0011484, OMIM 604772.
Cardiomyopathy (CMYO). Also called: Cardiomyopathies. Identifiers: Orphanet 167848, MedGen C0878544, MONDO:0004994, HP:0001638. Inheritance: Various modes of inheritance.

Allele frequency attached by ClinVar (database versions not stated): gnomAD exomes 0.00001 and 0.00002; ExAC 0.00002.
gnomAD v4.1: 5 of 1,613,980 alleles (0.00031%); highest among the groups gnomAD compares: East Asian, 0.011%; no homozygotes.

Submissions (2):

Labcorp Genetics (formerly Invitae), Labcorp
Classification: Likely benign for Catecholaminergic polymorphic ventricular tachycardia 1. Last evaluated: 2025-06-22. Review status: criteria provided, single submitter. Criteria: Invitae Variant Classification Sherloc (09022015). Collection method: clinical testing. Allele origin: germline.

Color Diagnostics, LLC DBA Color Health
Classification: Uncertain significance for Cardiomyopathy. Last evaluated: 2024-03-07. Review status: criteria provided, single submitter. Criteria: ACMG Guidelines, 2015. Collection method: clinical testing. Allele origin: germline.
Comment: This missense variant replaces leucine with isoleucine at codon 1868 of the RYR2 protein. Computational prediction suggests that this variant may not impact protein structure and function (internally defined REVEL score threshold <= 0.5, PMID: 27666373). To our knowledge, functional studies have not been reported for this variant. This variant has not been reported in individuals affected with cardiovascular disorders in the literature. This variant has been identified in 4/248258 chromosomes in the general population by the Genome Aggregation Database (gnomAD). The available evidence is insufficient to determine the role of this variant in disease conclusively. Therefore, this variant is classified as a Variant of Uncertain Significance.